The following is an entry in ClinVar:

ClinVar aggregate classification (germline): Likely pathogenic (1 of 4 stars; one submission).

Conditions:
DYNC2H1-related disorder. Also called: DYNC2H1-related condition; DYNC2H1-related disorders. Identifiers: MedGen CN378770.

Submission:

PreventionGenetics, part of Exact Sciences
Classification: Likely pathogenic for DYNC2H1-related condition. Last evaluated: 2025-11-05. Review status: criteria provided, single submitter. Criteria: ACMG Guidelines, 2015. Collection method: clinical testing. Allele origin: germline.
Comment: The DYNC2H1 c.3274delG variant is predicted to result in a frameshift and premature protein termination (p.Asp1092Ilefs*72). To our knowledge, this variant has not been reported in the literature or in a large population database (gnomAD), indicating this variant is rare. Frameshift variants in DYNC2H1 are expected to be pathogenic. This variant is interpreted as likely pathogenic.

NM_001377.3(DYNC2H1):c.3274del (p.Asp1092fs)

Gene: DYNC2H1 (dynein cytoplasmic 2 heavy chain 1; plus strand). Cytogenetic location: 11q22.3.
Variant type: Deletion.
Coding change: c.3274del on transcript NM_001377.3 (MANE Select); coding-DNA position 3274, one base deleted (G; older notation c.3274delG).
Protein change: p.Asp1092fs; shifts the reading frame from aspartic acid 1092.
Molecular consequence: frameshift variant.
Genome position (GRCh38, 1-based): chr11:103,153,480, G deleted. VCF-style (leftmost placement, unchanged base first): chr11-103153479-TG-T. GRCh37 (hg19) VCF-style: chr11-103024208-TG-T.
Other names: c.3274del, p.Asp1092fs (NM_001080463.2); short protein forms D1092fs.
Identifiers: ClinVar variation 4991971 (VCV004991971.1).
Genomic context (GRCh38, chr11:103,153,479, plus strand): 5'-CCAACATAATACTCTTGATAAAAGTGCAAAGTTAATAAAAGAGAAAAAAATTGAGTTTGA[TG>T]ATCTTGAAGTCACAAGAAAAAAGCTGGTGTATGTTTTTTCTTTAAAATTGATAGTGCTTA-3'